The following is an entry in ClinVar:

ClinVar aggregate classification (germline): Uncertain significance (1 of 4 stars; one submission).

Allele frequency attached by ClinVar (database versions not stated): gnomAD 0.00001; TOPMed 0.00001; ExAC 0.00002; gnomAD exomes 0.00003.
gnomAD v4.1: 40 of 1,613,650 alleles (0.0025%); highest among the groups gnomAD compares: Non-Finnish European, 0.0032%; no homozygotes.

Submission:

Labcorp Genetics (formerly Invitae), Labcorp
Classification: Uncertain significance. Last evaluated: 2024-11-01. Review status: criteria provided, single submitter. Criteria: Invitae Variant Classification Sherloc (09022015). Collection method: clinical testing. Allele origin: germline.
Comment: This sequence change replaces alanine, which is neutral and non-polar, with glutamic acid, which is acidic and polar, at codon 1626 of the SPTA1 protein (p.Ala1626Glu). This variant is present in population databases (rs760180722, gnomAD 0.003%). This variant has not been reported in the literature in individuals affected with SPTA1-related conditions. ClinVar contains an entry for this variant (Variation ID: 3005754). An algorithm developed to predict the effect of missense changes on protein structure and function (PolyPhen-2) suggests that this variant is likely to be disruptive. In summary, the available evidence is currently insufficient to determine the role of this variant in disease. Therefore, it has been classified as a Variant of Uncertain Significance.

NM_003126.4(SPTA1):c.4877C>A (p.Ala1626Glu)

Gene: SPTA1 (spectrin alpha, erythrocytic 1; minus strand). Cytogenetic location: 1q23.1.
Variant type: single nucleotide variant.
Coding change: c.4877C>A on transcript NM_003126.4 (MANE Select); coding-DNA position 4877, C replaced by A.
Protein change: p.Ala1626Glu; replaces alanine 1626 with glutamic acid.
Molecular consequence: missense variant.
Genome position (GRCh38, 1-based): chr1:158,639,685, G>T on the plus strand (C>A on the coding strand, the complement: SPTA1 is on the minus strand). VCF-style: chr1-158639685-G-T. GRCh37 (hg19) VCF-style: chr1-158609475-G-T.
Other names: short protein forms A1626E.
Identifiers: ClinVar variation 3005754 (VCV003005754.3), dbSNP rs760180722, ClinGen allele CA1182503.